The following is an entry in ClinVar:

NM_000170.3(GLDC):c.835C>A (p.Leu279Ile)

Gene: GLDC (glycine decarboxylase; minus strand). Cytogenetic location: 9p24.1.
Variant type: single nucleotide variant.
Coding change: c.835C>A on transcript NM_000170.3 (MANE Select); coding-DNA position 835, C replaced by A.
Protein change: p.Leu279Ile; replaces leucine 279 with isoleucine.
Molecular consequence: missense variant.
Genome position (GRCh38, 1-based): chr9:6,605,157, G>T on the plus strand (C>A on the coding strand, the complement: GLDC is on the minus strand). VCF-style: chr9-6605157-G-T. GRCh37 (hg19) VCF-style: chr9-6605157-G-T.
Other names: short protein forms L279I.
Identifiers: ClinVar variation 2141500 (VCV002141500.1), dbSNP rs998158526, ClinGen allele CA188684571.

ClinVar aggregate classification (germline): Uncertain significance (1 of 4 stars; one submission).

Conditions:
Glycine encephalopathy. Also called: Non-ketotic hyperglycinemia; Nonketotic hyperglycinemia. Identifiers: Orphanet 407, MedGen C0751748, MONDO:0011612, HP:0008288.

Allele frequency attached by ClinVar (database versions not stated): gnomAD 0.00001; TOPMed 0.00001.
gnomAD v4.1: 67 of 1,612,944 alleles (0.0042%); highest among the groups gnomAD compares: Non-Finnish European, 0.0054%; no homozygotes.

Submission:

Labcorp Genetics (formerly Invitae), Labcorp
Classification: Uncertain significance for Glycine encephalopathy. Last evaluated: 2022-07-12. Review status: criteria provided, single submitter. Criteria: Invitae Variant Classification Sherloc (09022015). Collection method: clinical testing. Allele origin: germline.
Comment: This sequence change replaces leucine, which is neutral and non-polar, with isoleucine, which is neutral and non-polar, at codon 279 of the GLDC protein (p.Leu279Ile). This variant is present in population databases (no rsID available, gnomAD 0.008%). This variant has not been reported in the literature in individuals affected with GLDC-related conditions. Advanced modeling of protein sequence and biophysical properties (such as structural, functional, and spatial information, amino acid conservation, physicochemical variation, residue mobility, and thermodynamic stability) performed at Invitae indicates that this missense variant is not expected to disrupt GLDC protein function. In summary, the available evidence is currently insufficient to determine the role of this variant in disease. Therefore, it has been classified as a Variant of Uncertain Significance.